The following is an entry in ClinVar:

ClinVar aggregate classification (germline): Uncertain significance (1 of 4 stars; one submission).

Conditions:
Shwachman-Diamond syndrome 1 (SDS1). Also called: LIPOMATOSIS OF PANCREAS, CONGENITAL. Identifiers: MedGen C4692625, MONDO:0044204, OMIM 260400.

Allele frequency attached by ClinVar (database versions not stated): gnomAD exomes below 0.00001.
gnomAD v4.1: 1 of 1,613,696 alleles (0.000062%); highest among the groups gnomAD compares: Non-Finnish European, 0.000085%; no homozygotes.

Submission:

Broad Center for Mendelian Genomics, Broad Institute of MIT and Harvard
Classification: Uncertain significance for Shwachman-Diamond syndrome 1. Last evaluated: 2023-05-02. Review status: criteria provided, single submitter. Criteria: ACMG Guidelines, 2015. Collection method: curation. Allele origin: germline. Inheritance: Autosomal recessive inheritance.
Comment: Trio genome analysis revealed that this variant was in trans with a pathogenic variant (ClinVar Variation ID: 3196). The c.128+3G>C variant in SBDS has not been previously reported in individuals with Swachman-Diamond syndrome. This variant was absent from large population studies. This variant is located in the 5' splice region. Computational tools predict a splicing impact, though this information is not predictive enough to determine pathogenicity. In summary, while there is some suspicion for a pathogenic role, the clinical significance of this variant is uncertain. ACMG/AMP Criteria applied: PM2_Supporting, PM3, PP3 (Richards 2015).

NM_016038.4(SBDS):c.128+3G>C

Gene: SBDS (SBDS ribosome maturation factor; minus strand). Cytogenetic location: 7q11.21.
Variant type: single nucleotide variant.
Coding change: c.128+3G>C on transcript NM_016038.4 (MANE Select); 3 bases into the intron after coding-DNA position 128, G replaced by C.
Molecular consequence: intron variant.
Genome position (GRCh38, 1-based): chr7:66,995,287, C>G on the plus strand (G>C on the coding strand, the complement: SBDS is on the minus strand). VCF-style: chr7-66995287-C-G. GRCh37 (hg19) VCF-style: chr7-66460274-C-G.
Other names: NM_016038.4:c.128+3G>C.
Identifiers: ClinVar variation 2500857 (VCV002500857.1), dbSNP rs2536932315, ClinGen allele CA2573332143.